The following is an entry in ClinVar:

ClinVar aggregate classification (germline): Likely pathogenic (1 of 4 stars; one submission).

Conditions:
Charcot-Marie-Tooth disease type 4. Also called: Charcot-Marie-Tooth, Type 4; Charcot-Marie-Tooth disease, type IV. Identifiers: Orphanet 64749, MedGen C4082197, MONDO:0018995.

gnomAD v4.1: 2 of 1,613,286 alleles (0.00012%); highest among the groups gnomAD compares: Admixed American, 0.0033%; no homozygotes.

Submission:

Labcorp Genetics (formerly Invitae), Labcorp
Classification: Likely pathogenic for Charcot-Marie-Tooth disease type 4. Last evaluated: 2024-09-05. Review status: criteria provided, single submitter. Criteria: Invitae Variant Classification Sherloc (09022015). Collection method: clinical testing. Allele origin: germline.
Comment: This sequence change affects a donor splice site in intron 15 of the FIG4 gene. It is expected to disrupt RNA splicing. Variants that disrupt the donor or acceptor splice site typically lead to a loss of protein function (PMID: 16199547), and loss-of-function variants in FIG4 are known to be pathogenic (PMID: 23623387, 30740813). This variant is present in population databases (rs750428095, gnomAD 0.006%). This variant has not been reported in the literature in individuals affected with FIG4-related conditions. Algorithms developed to predict the effect of sequence changes on RNA splicing suggest that this variant may disrupt the consensus splice site. In summary, the currently available evidence indicates that the variant is pathogenic, but additional data are needed to prove that conclusively. Therefore, this variant has been classified as Likely Pathogenic.

Literature cited by the submitters: PubMed 16199547; PubMed 23623387; PubMed 30740813.

NM_014845.6(FIG4):c.1750+1G>T

Gene: FIG4 (FIG4 phosphoinositide 5-phosphatase; plus strand). Cytogenetic location: 6q21.
Variant type: single nucleotide variant.
Coding change: c.1750+1G>T on transcript NM_014845.6 (MANE Select); the canonical splice donor site of the intron after coding-DNA position 1750, G replaced by T.
Molecular consequence: splice donor variant.
Genome position (GRCh38, 1-based): chr6:109,766,896, G>T. VCF-style: chr6-109766896-G-T. GRCh37 (hg19) VCF-style: chr6-110088099-G-T.
Identifiers: ClinVar variation 3717512 (VCV003717512.2).
Genomic context (GRCh38, chr6:109,766,896, plus strand): 5'-CCCAGCACTCCAAAGACATCATGCAAACCCTGTCTAGATATTACAGCAATGCTTTTTCAG[G>T]TAATTCTGAAGTAATAGCTATTTTTAAGACTTACTCTGAAGTGCATTTTTTGTATGTCTT-3'